The following is an entry in ClinVar:

ClinVar aggregate classification (germline): Pathogenic (1 of 4 stars; one submission).

Conditions:
Hereditary spastic paraplegia 11. Also called: Spastic Paraplegia 11; SPASTIC PARAPLEGIA, AUTOSOMAL RECESSIVE, COMPLICATED, WITH THIN CORPUS CALLOSUM; SPASTIC PARAPLEGIA, AUTOSOMAL RECESSIVE, WITH MENTAL IMPAIRMENT AND THIN CORPUS CALLOSUM; Spastic paraplegia, mental retardation and thin corpus callosum; Nakamura Osame syndrome; Autosomal recessive hereditary spastic paraplegia, mental impairment, and thin corpus callosum. Identifiers: Orphanet 2822, MedGen C1858479, MONDO:0011445, OMIM 604360.

Allele frequency attached by ClinVar (database versions not stated): gnomAD exomes below 0.00001 and 0.00001; gnomAD 0.00001.

Submission:

Labcorp Genetics (formerly Invitae), Labcorp
Classification: Pathogenic for Hereditary spastic paraplegia 11. Last evaluated: 2025-05-19. Review status: criteria provided, single submitter. Criteria: Invitae Variant Classification Sherloc (09022015). Collection method: clinical testing. Allele origin: germline.
Comment: This sequence change creates a premature translational stop signal (p.Gln2242*) in the SPG11 gene. It is expected to result in an absent or disrupted protein product. Loss-of-function variants in SPG11 are known to be pathogenic (PMID: 19105190, 20110243, 22154821, 26556829). This variant is present in population databases (no rsID available, gnomAD 0.002%). This variant has not been reported in the literature in individuals affected with SPG11-related conditions. ClinVar contains an entry for this variant (Variation ID: 652217). For these reasons, this variant has been classified as Pathogenic.

Literature cited by the submitters: PubMed 19105190; PubMed 20110243; PubMed 22154821; PubMed 26556829.

NM_025137.4(SPG11):c.6724C>T (p.Gln2242Ter)

Gene: SPG11 (SPG11 vesicle trafficking associated, spatacsin; minus strand). Cytogenetic location: 15q21.1.
Variant type: single nucleotide variant.
Coding change: c.6724C>T on transcript NM_025137.4 (MANE Select); coding-DNA position 6724, C replaced by T.
Protein change: p.Gln2242Ter; replaces glutamine 2242 with a stop codon.
Molecular consequence: nonsense.
Genome position (GRCh38, 1-based): chr15:44,567,454, G>A on the plus strand (C>T on the coding strand, the complement: SPG11 is on the minus strand). VCF-style: chr15-44567454-G-A. GRCh37 (hg19) VCF-style: chr15-44859652-G-A.
Other names: c.6385C>T, p.Gln2129Ter (NM_001160227.2); short protein forms Q2242*, Q2129*.
Identifiers: ClinVar variation 652217 (VCV000652217.6), dbSNP rs866400911, ClinGen allele CA270059929.